The following is an entry in ClinVar:

ClinVar aggregate classification (germline): Benign (0 of 4 stars; one submission).

Conditions:
MUC16-related disorder. Also called: MUC16-related condition.

Submission:

PreventionGenetics, part of Exact Sciences
Classification: Benign for MUC16-related condition. Last evaluated: 2019-06-11. Review status: no assertion criteria provided. Collection method: clinical testing. Allele origin: germline.
Comment: This variant is classified as benign based on ACMG/AMP sequence variant interpretation guidelines (Richards et al. 2015 PMID: 25741868, with internal and published modifications).

NM_001401501.2(MUC16):c.39231C>A (p.Leu13077=)

Gene: MUC16 (mucin 16, cell surface associated; minus strand). Cytogenetic location: 19p13.2.
Variant type: single nucleotide variant.
Coding change: c.39231C>A on transcript NM_001401501.2 (MANE Select); coding-DNA position 39231, C replaced by A.
Protein change: p.Leu13077=; no amino-acid change (leucine 13077 retained).
Molecular consequence: synonymous variant.
Genome position (GRCh38, 1-based): chr19:8,899,005, G>T on the plus strand (C>A on the coding strand, the complement: MUC16 is on the minus strand). VCF-style: chr19-8899005-G-T. GRCh37 (hg19) VCF-style: chr19-9009681-G-T.
Other names: c.39657C>A, p.Leu13219= (NM_001414686.1); c.39111C>A, p.Leu13037= (NM_001414687.1); c.39045C>A, p.Leu13015= (NM_024690.2).
Identifiers: ClinVar variation 3060012 (VCV003060012.2), dbSNP rs1357474477, ClinGen allele CA505286147.